The following is an entry in ClinVar:

ClinVar aggregate classification (germline): Pathogenic/Likely pathogenic. Review status: criteria provided, multiple submitters, no conflicts (2 of 4 stars). 2 submissions from 2 submitters: Pathogenic (1); Likely pathogenic (1). Last evaluated 2024-05-03.

Conditions:
Glutaric acidemia type 2C.
Multiple acyl-CoA dehydrogenase deficiency (MADD). Also called: ETHYLMALONIC-ADIPICACIDURIA; GA II; Glutaric Acidemia type 2; Glutaric aciduria, type 2; Glutaric acidemia type II; GA 2. Identifiers: Orphanet 26791, MedGen C0268596, MONDO:0009282, OMIM 231680.

Submissions (2):

Natera, Inc.
Classification: Likely pathogenic for Glutaric acidemia type 2C. Last evaluated: 2024-05-03. Review status: criteria provided, single submitter. Criteria: Natera Variant Classification Schema (03/2026). Collection method: clinical testing. Allele origin: germline.
Comment: The c.736G>A variant in ETFDH is a missense variant predicted to cause substitution of glutamic acid to lysine at amino acid 246. This variant is rare in the general population with a frequency below the threshold expected for the associated phenotype(s). This variant has been observed in one or more individuals affected with the associated recessive disease, as either homozygous or compound heterozygous with a second variant (PMID: 30681493, 30587156, 25913573). Computational prediction algorithms indicate this variant is likely to affect gene or protein function. Given the available evidence, this variant is classified as Likely Pathogenic.

Baylor Genetics
Classification: Pathogenic for Multiple acyl-CoA dehydrogenase deficiency. Last evaluated: 2022-06-04. Review status: criteria provided, single submitter. Criteria: ACMG Guidelines, 2015. Collection method: clinical testing. Allele origin: unknown.

Literature cited by the submitters: PubMed 30681493 (cited by Natera, Inc.); PubMed 30587156 (cited by Natera, Inc.); PubMed 25913573 (cited by Natera, Inc.).

NM_004453.4(ETFDH):c.736G>A (p.Glu246Lys)

Gene: ETFDH (electron transfer flavoprotein dehydrogenase; plus strand). Cytogenetic location: 4q32.1.
Variant type: single nucleotide variant.
Coding change: c.736G>A on transcript NM_004453.4 (MANE Select); coding-DNA position 736, G replaced by A.
Protein change: p.Glu246Lys; replaces glutamic acid 246 with lysine.
Molecular consequence: missense variant.
Genome position (GRCh38, 1-based): chr4:158,695,548, G>A. VCF-style: chr4-158695548-G-A. GRCh37 (hg19) VCF-style: chr4-159616700-G-A.
Other names: c.595G>A, p.Glu199Lys (NM_001281737.2); c.553G>A, p.Glu185Lys (NM_001281738.1); c.736G>A (NM_004453.3); short protein forms E185K, E199K, E246K.
Identifiers: ClinVar variation 2675136 (VCV002675136.2), dbSNP rs2479111092, ClinGen allele CA358560762.
Genomic context (GRCh38, chr4:158,695,548, plus strand): 5'-GCTTTTCAGGCAACATTTGAGAGAGGACTGGAACTACATGCTAAAGTCACAATTTTTGCA[G>A]AAGGTTGCCATGGACATCTAGCCAAGCAACTATATAAGAAGTTTGATTTGAGAGCAAATT-3'
Protein context (NP_004444.2, residues 236-256): ELHAKVTIFA[Glu246Lys]GCHGHLAKQL